The following is an entry in ClinVar:

NM_005670.4(EPM2A):c.181C>G (p.Leu61Val)

Genes: EPM2A (EPM2A glucan phosphatase, laforin; minus strand), EPM2A-DT (EPM2A divergent transcript; plus strand), LOC129997381 (ATAC-STARR-seq lymphoblastoid silent region 17642; plus strand). Cytogenetic location: 6q24.3.
Variant type: single nucleotide variant.
Coding change: c.181C>G on transcript NM_005670.4 (MANE Select); coding-DNA position 181, C replaced by G.
Protein change: p.Leu61Val; replaces leucine 61 with valine.
Molecular consequence: missense variant. On other transcripts: 5 prime UTR variant (3), intron variant (1).
Genome position (GRCh38, 1-based): chr6:145,735,318, G>C on the plus strand (C>G on the coding strand, the complement: EPM2A is on the minus strand). VCF-style: chr6-145735318-G-C. GRCh37 (hg19) VCF-style: chr6-146056454-G-C.
Other names: c.181C>G, p.Leu61Val (NM_001018041.2, NM_001360057.2, NM_001368130.1); c.-489C>G (NM_001360071.2); c.-443C>G (NM_001368129.2); c.-187C>G (NM_001368131.1); c.-114+590C>G (NM_001360064.2); short protein forms L61V.
Identifiers: ClinVar variation 1507061 (VCV001507061.8), dbSNP rs563875151, ClinGen allele CA149194982.

ClinVar aggregate classification (germline): Uncertain significance (1 of 4 stars; one submission).

Conditions:
Progressive myoclonic epilepsy. Also called: Myoclonus epilepsy; Progressive myoclonus epilepsy; Familial progressive myoclonic epilepsy; Myoclonic Epilepsies, Progressive. Identifiers: Orphanet 308, Orphanet 98261, MedGen C0751778, MONDO:0020074.

Allele frequency attached by ClinVar (database versions not stated): gnomAD 0.00001; gnomAD exomes 0.00001; 1000 Genomes Project 0.00020; 1000 Genomes Project 30x 0.00031.
gnomAD v4.1: 12 of 1,308,438 alleles (0.00092%); highest among the groups gnomAD compares: South Asian, 0.0013%; no homozygotes.

Submission:

Labcorp Genetics (formerly Invitae), Labcorp
Classification: Uncertain significance for Progressive myoclonic epilepsy. Last evaluated: 2022-12-02. Review status: criteria provided, single submitter. Criteria: Invitae Variant Classification Sherloc (09022015). Collection method: clinical testing. Allele origin: germline.
Comment: In summary, the available evidence is currently insufficient to determine the role of this variant in disease. Therefore, it has been classified as a Variant of Uncertain Significance. Algorithms developed to predict the effect of missense changes on protein structure and function (SIFT, PolyPhen-2, Align-GVGD) all suggest that this variant is likely to be tolerated. ClinVar contains an entry for this variant (Variation ID: 1507061). This variant has not been reported in the literature in individuals affected with EPM2A-related conditions. This variant is present in population databases (rs563875151, gnomAD 0.003%). This sequence change replaces leucine, which is neutral and non-polar, with valine, which is neutral and non-polar, at codon 61 of the EPM2A protein (p.Leu61Val).